The following is an entry in ClinVar:

NM_003737.4(DCHS1):c.440G>A (p.Arg147Gln)

Gene: DCHS1 (dachsous cadherin-related 1; minus strand). Cytogenetic location: 11p15.4.
Variant type: single nucleotide variant.
Coding change: c.440G>A on transcript NM_003737.4 (MANE Select); coding-DNA position 440, G replaced by A.
Protein change: p.Arg147Gln; replaces arginine 147 with glutamine.
Molecular consequence: missense variant.
Genome position (GRCh38, 1-based): chr11:6,641,174, C>T on the plus strand (G>A on the coding strand, the complement: DCHS1 is on the minus strand). VCF-style: chr11-6641174-C-T. GRCh37 (hg19) VCF-style: chr11-6662405-C-T.
Other names: short protein forms R147Q.
Identifiers: ClinVar variation 3616619 (VCV003616619.2).
Genomic context (GRCh38, chr11:6,641,174, plus strand): 5'-GCAGGCTCCAGTGGGTAGCGGGTGCCAAAAGCTGTATGCTCAGGTACCTGCAGGGCAGCC[C>T]GAGCCTGTGGGAAGGCTGGAGCATGGTCGTTGATGTCAGCCACTCGCACTGTAACTTCTA-3'
Protein context (NP_003728.1, residues 137-157): NDHAPAFPQA[Arg147Gln]AALQVPEHTA

ClinVar aggregate classification (germline): Uncertain significance (1 of 4 stars; one submission).

gnomAD v4.1: 5 of 1,613,094 alleles (0.00031%); highest among the groups gnomAD compares: South Asian, 0.0011%; no homozygotes.

Submission:

Labcorp Genetics (formerly Invitae), Labcorp
Classification: Uncertain significance. Last evaluated: 2024-03-18. Review status: criteria provided, single submitter. Criteria: Invitae Variant Classification Sherloc (09022015). Collection method: clinical testing. Allele origin: germline.
Comment: This sequence change replaces arginine, which is basic and polar, with glutamine, which is neutral and polar, at codon 147 of the DCHS1 protein (p.Arg147Gln). This variant is present in population databases (rs755687394, gnomAD 0.003%). This variant has not been reported in the literature in individuals affected with DCHS1-related conditions. Advanced modeling of protein sequence and biophysical properties (such as structural, functional, and spatial information, amino acid conservation, physicochemical variation, residue mobility, and thermodynamic stability) performed at Invitae indicates that this missense variant is not expected to disrupt DCHS1 protein function with a negative predictive value of 95%. In summary, the available evidence is currently insufficient to determine the role of this variant in disease. Therefore, it has been classified as a Variant of Uncertain Significance.